The following is an entry in ClinVar:

ClinVar aggregate classification (germline): Uncertain significance. Review status: criteria provided, multiple submitters, no conflicts (2 of 4 stars). 3 submissions from 3 submitters: Uncertain significance (3). Last evaluated 2024-07-14.

Conditions:
Congenital myasthenic syndrome 5. Identifiers: Orphanet 590, MedGen C1864233, MONDO:0011281, OMIM 603034.
Inborn genetic diseases. Identifiers: MedGen C0950123, MeSH D030342.

Allele frequency attached by ClinVar (database versions not stated): gnomAD exomes 0.00003 and 0.00006; gnomAD 0.00004; TOPMed 0.00005; ExAC 0.00007; ESP Exome Variant Server 0.00008.
gnomAD v4.1: 58 of 1,614,092 alleles (0.0036%); highest among the groups gnomAD compares: Middle Eastern, 0.017%; no homozygotes.

Submissions (3):

Ambry Genetics
Classification: Uncertain significance for Inborn genetic diseases. Last evaluated: 2024-07-14. Review status: criteria provided, single submitter. Criteria: Ambry Variant Classification Scheme 2023. Collection method: clinical testing. Allele origin: germline.

Labcorp Genetics (formerly Invitae), Labcorp
Classification: Uncertain significance for Congenital myasthenic syndrome 5. Last evaluated: 2024-01-06. Review status: criteria provided, single submitter. Criteria: Invitae Variant Classification Sherloc (09022015). Collection method: clinical testing. Allele origin: germline.
Comment: This sequence change replaces glutamine, which is neutral and polar, with glutamic acid, which is acidic and polar, at codon 358 of the COLQ protein (p.Gln358Glu). This variant is present in population databases (rs372064982, gnomAD 0.01%). This variant has not been reported in the literature in individuals affected with COLQ-related conditions. ClinVar contains an entry for this variant (Variation ID: 468339). Experimental studies and prediction algorithms are not available or were not evaluated, and the functional significance of this variant is currently unknown. In summary, the available evidence is currently insufficient to determine the role of this variant in disease. Therefore, it has been classified as a Variant of Uncertain Significance.

Revvity Omics, Revvity
Classification: Uncertain significance for Congenital myasthenic syndrome 5. Last evaluated: 2019-03-14. Review status: criteria provided, single submitter. Criteria: ACMG Guidelines, 2015. Collection method: clinical testing. Allele origin: germline.

NM_005677.4(COLQ):c.1072C>G (p.Gln358Glu)

Gene: COLQ (collagen like tail subunit of asymmetric acetylcholinesterase; minus strand). Cytogenetic location: 3p25.1.
Variant type: single nucleotide variant.
Coding change: c.1072C>G on transcript NM_005677.4 (MANE Select); coding-DNA position 1072, C replaced by G.
Protein change: p.Gln358Glu; replaces glutamine 358 with glutamic acid.
Molecular consequence: missense variant.
Genome position (GRCh38, 1-based): chr3:15,456,462, G>C on the plus strand (C>G on the coding strand, the complement: COLQ is on the minus strand). VCF-style: chr3-15456462-G-C. GRCh37 (hg19) VCF-style: chr3-15497969-G-C.
Other names: c.1042C>G, p.Gln348Glu (NM_080538.2); c.970C>G, p.Gln324Glu (NM_080539.4); short protein forms Q358E, Q324E, Q348E.
Identifiers: ClinVar variation 468339 (VCV000468339.12), dbSNP rs372064982, ClinGen allele CA2275889.